The following is an entry in ClinVar:

NM_001875.5(CPS1):c.2171_2175del (p.Ala724fs)

Gene: CPS1 (carbamoyl-phosphate synthase 1; plus strand). Cytogenetic location: 2q34.
Variant type: Microsatellite.
Coding change: c.2171_2175del on transcript NM_001875.5 (MANE Select); coding-DNA positions 2171 to 2175, 5 bases deleted (CTCTG; older notation c.2171_2175delCTCTG).
Protein change: p.Ala724fs; shifts the reading frame from alanine 724.
Molecular consequence: frameshift variant. On other transcripts: non-coding transcript variant (2).
Genome position (GRCh38, 1-based): chr2:210,606,920-210,606,924, CTCTG deleted; deleting any 5 consecutive bases within chr2:210,606,914-210,606,924 gives the same sequence; the c. name uses the placement nearest the transcript's 3' end. VCF-style (leftmost placement, unchanged base first): chr2-210606913-AGCTCT-A. GRCh37 (hg19) VCF-style: chr2-211471637-AGCTCT-A.
Other names: c.2171_2175del, p.Ala724fs (NM_001122633.3, NM_001369257.1); c.2204_2208del, p.Ala735fs (NM_001369256.1); short protein forms A724fs, A735fs.
Identifiers: ClinVar variation 1071808 (VCV001071808.8), dbSNP rs2105850258, ClinGen allele CA2580616668.

ClinVar aggregate classification (germline): Pathogenic. Review status: criteria provided, multiple submitters, no conflicts (2 of 4 stars). 2 submissions from 2 submitters: Pathogenic (2). Last evaluated 2023-10-27.

Conditions:
Congenital hyperammonemia, type I. Also called: CPS I DEFICIENCY; Carbamoyl phosphate synthetase 1 deficiency; Hyperammonemia due to carbamoyl phosphate synthetase 1 deficiency; CPS 1 deficiency; Carbamyl phosphate synthetase (CPS) deficiency; Carbamoyl phosphate synthetase I deficiency disease. Identifiers: Orphanet 147, MedGen C4082171, MONDO:0009376, OMIM 237300.

Submissions (2):

Myriad Genetics, Inc.
Classification: Pathogenic for Congenital hyperammonemia, type I. Last evaluated: 2023-10-27. Review status: criteria provided, single submitter. Criteria: Myriad Autosomal Dominant, Autosomal Recessive and X-Linked Classification Criteria (2023). Collection method: clinical testing. Allele origin: unknown.
Comment: NM_001875.4(CPS1):c.2171_2175del5(A724Gfs*26) is expected to be pathogenic in the context of carbamoylphosphate synthetase I deficiency. This variant is predicted to lead to an abnormal or absent protein product due to the creation of a premature termination codon in CPS1, a gene where loss-of-function variants are known to be pathogenic. Please note: this variant was assessed in the context of healthy population screening.

Labcorp Genetics (formerly Invitae), Labcorp
Classification: Pathogenic for Congenital hyperammonemia, type I. Last evaluated: 2023-03-02. Review status: criteria provided, single submitter. Criteria: Invitae Variant Classification Sherloc (09022015). Collection method: clinical testing. Allele origin: germline.
Comment: This sequence change creates a premature translational stop signal (p.Ala724Glyfs*26) in the CPS1 gene. It is expected to result in an absent or disrupted protein product. Loss-of-function variants in CPS1 are known to be pathogenic (PMID: 21120950). This variant is not present in population databases (gnomAD no frequency). This variant has not been reported in the literature in individuals affected with CPS1-related conditions. For these reasons, this variant has been classified as Pathogenic.

Literature cited by the submitters: PubMed 21120950 (cited by Labcorp Genetics (formerly Invitae), Labcorp).